The following is an entry in ClinVar:

NM_002578.5(PAK3):c.535G>T (p.Glu179Ter)

Gene: PAK3 (p21 (RAC1) activated kinase 3; plus strand). Cytogenetic location: Xq23.
Variant type: single nucleotide variant.
Coding change: c.535G>T on transcript NM_002578.5 (MANE Select); coding-DNA position 535, G replaced by T.
Protein change: p.Glu179Ter; replaces glutamic acid 179 with a stop codon.
Molecular consequence: nonsense. On other transcripts: non-coding transcript variant (2).
Genome position (GRCh38, 1-based): chrX:111,162,981, G>T. VCF-style: chrX-111162981-G-T. GRCh37 (hg19) VCF-style: chrX-110406209-G-T.
Other names: c.535G>T, p.Glu179Ter (NM_001128166.3, NM_001128167.3, NM_001324325.2 and 5 more transcripts); c.643G>T, p.Glu215Ter (NM_001128168.3); c.598G>T, p.Glu200Ter (NM_001128172.2); c.580G>T, p.Glu194Ter (NM_001128173.3, NM_001324327.2, NM_001324328.2 and 2 more transcripts); short protein forms E179*, E200*, E215*, E194*.
Identifiers: ClinVar variation 1747066 (VCV001747066.2), dbSNP rs2523684857, ClinGen allele CA414236411.

ClinVar aggregate classification (germline): Pathogenic (1 of 4 stars; one submission).

Conditions:
Inborn genetic diseases. Identifiers: MedGen C0950123, MeSH D030342.

Submission:

Ambry Genetics
Classification: Pathogenic for Inborn genetic diseases. Last evaluated: 2017-12-14. Review status: criteria provided, single submitter. Criteria: Ambry Variant Classification Scheme 2023. Collection method: clinical testing. Allele origin: germline.
Comment: The p.E179* pathogenic mutation (also known as c.535G>T), located in coding exon 5 of the PAK3 gene, results from a G to T substitution at nucleotide position 535. This changes the amino acid from a glutamic acid to a stop codon within coding exon 5. This alteration is expected to result in loss of function by premature protein truncation or nonsense-mediated mRNA decay. As such, this alteration is interpreted as a disease-causing mutation.